The following is an entry in ClinVar:

NM_004369.4(COL6A3):c.5261A>G (p.Lys1754Arg)

Gene: COL6A3 (collagen type VI alpha 3 chain; minus strand). Cytogenetic location: 2q37.3.
Variant type: single nucleotide variant.
Coding change: c.5261A>G on transcript NM_004369.4 (MANE Select); coding-DNA position 5261, A replaced by G.
Protein change: p.Lys1754Arg; replaces lysine 1754 with arginine.
Molecular consequence: missense variant.
Genome position (GRCh38, 1-based): chr2:237,366,926, T>C on the plus strand (A>G on the coding strand, the complement: COL6A3 is on the minus strand). VCF-style: chr2-237366926-T-C. GRCh37 (hg19) VCF-style: chr2-238275569-T-C.
Other names: c.3440A>G, p.Lys1147Arg (NM_057166.5); c.4643A>G, p.Lys1548Arg (NM_057167.4); short protein forms K1754R, K1548R, K1147R.
Identifiers: ClinVar variation 94945 (VCV000094945.58), dbSNP rs77632596, ClinGen allele CA248670.

ClinVar aggregate classification (germline): Benign/Likely benign. Review status: criteria provided, multiple submitters, no conflicts (2 of 4 stars). 16 submissions from 16 submitters: Benign (9); Likely benign (4). 3 of the submissions do not count toward it. Last evaluated 2026-09-01.

Conditions:
Collagen 6-related myopathy. Identifiers: MedGen CN117976, MONDO:0100225.
Bethlem myopathy 1A. Also called: MYOPATHY, BENIGN CONGENITAL, WITH CONTRACTURES; Bethlem myopathy 1; Bethlem Muscular Dystrophy. Identifiers: Orphanet 610, MedGen CN029274, MONDO:0024530, OMIM 158810.

Allele frequency attached by ClinVar (database versions not stated): 1000 Genomes Project 0.00200; ESP Exome Variant Server 0.00692; TOPMed 0.00760; gnomAD exomes 0.00775 and 0.00876; gnomAD 0.00808 and 0.00741; 1000 Genomes Project 30x 0.00234; ExAC 0.00775.
gnomAD v4.1: 14,005 of 1,614,222 alleles (0.87%); highest among the groups gnomAD compares: Middle Eastern, 1.3%; 80 homozygotes.

Submissions (21):

CeGaT Center for Human Genetics Tuebingen
Classification: Likely benign. Last evaluated: 2026-09-01. Review status: criteria provided, single submitter. Criteria: CeGaT Center For Human Genetics Tuebingen Variant Classification Criteria Version 2. Collection method: clinical testing. Allele origin: germline. Affected: yes. Observed: 63 variant alleles.
Comment: COL6A3: BP4, BS2

Labcorp Genetics (formerly Invitae), Labcorp
Classification: Benign for Bethlem myopathy 1A. Last evaluated: 2026-02-01. Review status: criteria provided, single submitter. Criteria: Invitae Variant Classification Sherloc (09022015). Collection method: clinical testing. Allele origin: germline.

Athena Diagnostics
Classification: Benign. Last evaluated: 2024-08-29. Review status: criteria provided, single submitter. Criteria: Athena Diagnostics Criteria. Collection method: clinical testing. Allele origin: unknown.

Mayo Clinic Laboratories, Mayo Clinic
Classification: Benign. Last evaluated: 2022-10-26. Review status: criteria provided, single submitter. Criteria: ACMG Guidelines, 2015. Collection method: clinical testing. Allele origin: germline. Observed: 11 variant alleles.

Mendelics
Classification: Benign for Bethlem myopathy 1A. Last evaluated: 2019-05-28. Review status: criteria provided, single submitter. Criteria: Mendelics Assertion Criteria 2017. Collection method: clinical testing. Allele origin: unknown.

Illumina Laboratory Services, Illumina
Classification: Benign for Collagen VI-related myopathy. Last evaluated: 2018-01-12. Review status: criteria provided, single submitter. Criteria: ICSL Variant Classification Criteria 13 December 2019. Collection method: clinical testing. Allele origin: germline.
Comment: This variant was observed in the ICSL laboratory as part of a predisposition screen in an ostensibly healthy population. It had not been previously curated by ICSL or reported in the Human Gene Mutation Database (HGMD: prior to June 1st, 2018), and was therefore a candidate for classification through an automated scoring system. Utilizing variant allele frequency, disease prevalence and penetrance estimates, and inheritance mode, an automated score was calculated to assess if this variant is too frequent to cause the disease. Based on the score and internal cut-off values, a variant classified as benign is not then subjected to further curation. The score for this variant resulted in a classification of benign for this disease.

GeneDx
Classification: Benign. Last evaluated: 2017-08-21. Review status: criteria provided, single submitter. Criteria: GeneDx Variant Classification (06012015). Collection method: clinical testing. Allele origin: germline. Affected: yes.
Comment: This variant is considered likely benign or benign based on one or more of the following criteria: it is a conservative change, it occurs at a poorly conserved position in the protein, it is predicted to be benign by multiple in silico algorithms, and/or has population frequency not consistent with disease.

Center for Pediatric Genomic Medicine, Children's Mercy Hospital and Clinics
Classification: Likely benign. Last evaluated: 2017-03-10. Review status: criteria provided, single submitter. Criteria: ACMG Guidelines, 2015. Collection method: clinical testing. Allele origin: germline.

Laboratory for Molecular Medicine, Mass General Brigham Personalized Medicine
Classification: Likely benign. Last evaluated: 2016-06-02. Review status: criteria provided, single submitter. Criteria: LMM Criteria. Collection method: clinical testing. Allele origin: germline.
Comment: Variant identified in a genome or exome case(s) and assessed due to predicted null impact of the variant or pathogenic assertions in the literature or databases. Disclaimer: This variant has not undergone full assessment. The following are preliminary notes: 0.77% in ExAC, 1.1% in European population with 4 homozygotes. Emory, GeneDx, and CHOP report as B/LB

Genomic Diagnostic Laboratory, Division of Genomic Diagnostics, Children's Hospital of Philadelphia
Classification: Benign. Last evaluated: 2015-02-19. Review status: criteria provided, single submitter. Criteria: DGD Variant Analysis Guidelines. Collection method: clinical testing. Allele origin: unknown.

Eurofins Ntd Llc (ga)
Classification: Benign. Last evaluated: 2012-11-05. Review status: criteria provided, single submitter. Criteria: EGL Classification Definitions 2015. Collection method: clinical testing. Allele origin: germline. Observed: 4 variant alleles, 4 heterozygotes.

Breakthrough Genomics
Classification: Likely benign. Review status: criteria provided, single submitter. Criteria: ACMG Guidelines, 2015. Collection method: not provided. Allele origin: germline. Inheritance: Autosomal recessive inheritance. Affected: yes.

PreventionGenetics, part of Exact Sciences
Classification: Benign. Review status: criteria provided, single submitter. Criteria: ACMG Guidelines, 2015. Collection method: clinical testing. Allele origin: germline.

Clinical Genetics, Academic Medical Center
Classification: Benign. Review status: no assertion criteria provided. Collection method: clinical testing. Allele origin: germline. Affected: yes. Study: VKGL Data-share Consensus. Not counted in ClinVar's aggregate classification.

Dr. Peter K. Rogan Lab, Western University
No classification provided (evidence only). Condition: Clear cell carcinoma of kidney. Review status: no classification provided. Collection method: in vitro. Allele origin: not applicable. Functional consequence: retained intron. Not counted in ClinVar's aggregate classification.

Dr. Peter K. Rogan Lab, Western University
No classification provided (evidence only). Condition: Thyroid cancer, nonmedullary, 1. Review status: no classification provided. Collection method: in vitro. Allele origin: not applicable. Functional consequence: retained intron. Not counted in ClinVar's aggregate classification.

Dr. Peter K. Rogan Lab, Western University
No classification provided (evidence only). Condition: Sarcoma. Review status: no classification provided. Collection method: in vitro. Allele origin: not applicable. Functional consequence: retained intron. Not counted in ClinVar's aggregate classification.

Dr. Peter K. Rogan Lab, Western University
No classification provided (evidence only). Condition: Nonpapillary renal cell carcinoma. Review status: no classification provided. Collection method: in vitro. Allele origin: not applicable. Functional consequence: retained intron. Not counted in ClinVar's aggregate classification.

Dr. Peter K. Rogan Lab, Western University
No classification provided (evidence only). Condition: Ovarian serous cystadenocarcinoma. Review status: no classification provided. Collection method: in vitro. Allele origin: not applicable. Functional consequence: retained intron. Not counted in ClinVar's aggregate classification.

Genome Diagnostics Laboratory, University Medical Center Utrecht
Classification: Likely benign. Review status: no assertion criteria provided. Collection method: clinical testing. Allele origin: germline. Affected: yes. Study: VKGL Data-share Consensus. Not counted in ClinVar's aggregate classification.

Laboratory of Diagnostic Genome Analysis, Leiden University Medical Center (LUMC)
Classification: Likely benign. Review status: no assertion criteria provided. Collection method: clinical testing. Allele origin: germline. Affected: yes. Study: VKGL Data-share Consensus. Not counted in ClinVar's aggregate classification.

Literature cited by the submitters: PubMed 27884173 (cited by Athena Diagnostics); PubMed 24332716 (cited by Athena Diagnostics); PubMed 24271325 (cited by Athena Diagnostics).